The following is an entry in ClinVar:

NM_004612.4(TGFBR1):c.889G>A (p.Val297Ile)

Gene: TGFBR1 (transforming growth factor beta receptor 1; plus strand). Cytogenetic location: 9q22.33.
Variant type: single nucleotide variant.
Coding change: c.889G>A on transcript NM_004612.4 (MANE Select); coding-DNA position 889, G replaced by A.
Protein change: p.Val297Ile; replaces valine 297 with isoleucine.
Molecular consequence: missense variant.
Genome position (GRCh38, 1-based): chr9:99,142,619, G>A. VCF-style: chr9-99142619-G-A. GRCh37 (hg19) VCF-style: chr9-101904901-G-A.
Other names: c.658G>A, p.Val220Ile (NM_001130916.3); c.901G>A, p.Val301Ile (NM_001306210.2); short protein forms V297I, V220I, V301I.
Identifiers: ClinVar variation 477564 (VCV000477564.12), dbSNP rs757284158, ClinGen allele CA043284.
Genomic context (GRCh38, chr9:99,142,619, plus strand): 5'-TGGTTGGTGTCAGATTATCATGAGCATGGATCCCTTTTTGATTACTTAAACAGATACACA[G>A]TTACTGTGGAAGGAATGATAAAACTTGCTCTGTCCACGGCGAGCGGTCTTGCCCATCTTC-3'
Protein context (NP_004603.1, residues 287-307): SLFDYLNRYT[Val297Ile]TVEGMIKLAL

ClinVar aggregate classification (germline): Uncertain significance. Review status: criteria provided, multiple submitters, no conflicts (2 of 4 stars). 4 submissions from 4 submitters: Uncertain significance (4). Last evaluated 2024-03-11.

Conditions:
Multiple self-healing squamous epithelioma (MSSE). Also called: MULTIPLE SELF-HEALING SQUAMOUS EPITHELIOMA, SUSCEPTIBILITY TO. Identifiers: Orphanet 65748, MedGen C0546476, MONDO:0007566, OMIM 132800.
Loeys-Dietz syndrome 1 (LDS1). Also called: TGFBR1-Related Loeys-Dietz Syndrome; FURLONG SYNDROME; AORTIC ANEURYSM, FAMILIAL THORACIC 5. Identifiers: Orphanet 60030, MedGen C4551955, MONDO:0012212, OMIM 609192.
Familial thoracic aortic aneurysm and aortic dissection (TAAD). Also called: Thoracic aortic aneurysms and dissections. Identifiers: Orphanet 91387, MedGen C4707243, MONDO:0019625.

Allele frequency attached by ClinVar (database versions not stated): gnomAD exomes below 0.00001 and 0.00001; ExAC 0.00001; gnomAD 0.00001; TOPMed 0.00001.
gnomAD v4.1: 10 of 1,614,000 alleles (0.00062%); highest among the groups gnomAD compares: Non-Finnish European, 0.00085%; no homozygotes.

Submissions (4):

Labcorp Genetics (formerly Invitae), Labcorp
Classification: Uncertain significance for Familial thoracic aortic aneurysm and aortic dissection. Last evaluated: 2024-03-11. Review status: criteria provided, single submitter. Criteria: Invitae Variant Classification Sherloc (09022015). Collection method: clinical testing. Allele origin: germline.
Comment: This sequence change replaces valine, which is neutral and non-polar, with isoleucine, which is neutral and non-polar, at codon 297 of the TGFBR1 protein (p.Val297Ile). This variant is present in population databases (rs757284158, gnomAD 0.0009%). This variant has not been reported in the literature in individuals affected with TGFBR1-related conditions. ClinVar contains an entry for this variant (Variation ID: 477564). Advanced modeling of protein sequence and biophysical properties (such as structural, functional, and spatial information, amino acid conservation, physicochemical variation, residue mobility, and thermodynamic stability) performed at Invitae indicates that this missense variant is not expected to disrupt TGFBR1 protein function with a negative predictive value of 80%. In summary, the available evidence is currently insufficient to determine the role of this variant in disease. Therefore, it has been classified as a Variant of Uncertain Significance.

Color Diagnostics, LLC DBA Color Health
Classification: Uncertain significance for Familial thoracic aortic aneurysm and aortic dissection. Last evaluated: 2024-03-06. Review status: criteria provided, single submitter. Criteria: ACMG Guidelines, 2015. Collection method: clinical testing. Allele origin: germline.
Comment: This missense variant replaces valine with isoleucine at codon 297 of the TGFBR1 protein. Computational prediction suggests that this variant may not impact protein structure and function (internally defined REVEL score threshold <= 0.5, PMID: 27666373). Splice site prediction tools suggest that this variant may not impact RNA splicing. To our knowledge, functional studies have not been reported for this variant. This variant has not been reported in individuals affected with cardiovascular disorders in the literature. This variant has been identified in 1/251036 chromosomes in the general population by the Genome Aggregation Database (gnomAD). The available evidence is insufficient to determine the role of this variant in disease conclusively. Therefore, this variant is classified as a Variant of Uncertain Significance.

Ambry Genetics
Classification: Uncertain significance for Familial thoracic aortic aneurysm and aortic dissection. Last evaluated: 2022-03-17. Review status: criteria provided, single submitter. Criteria: Ambry Variant Classification Scheme 2023. Collection method: clinical testing. Allele origin: germline.
Comment: The p.V297I variant (also known as c.889G>A), located in coding exon 5 of the TGFBR1 gene, results from a G to A substitution at nucleotide position 889. The valine at codon 297 is replaced by isoleucine, an amino acid with highly similar properties. This amino acid position is conserved. In addition, the in silico prediction for this alteration is inconclusive. Since supporting evidence is limited at this time, the clinical significance of this alteration remains unclear.

Fulgent Genetics
Classification: Uncertain significance for Multiple self-healing squamous epithelioma; Loeys-Dietz syndrome 1. Last evaluated: 2021-08-31. Review status: criteria provided, single submitter. Criteria: ACMG Guidelines, 2015. Collection method: clinical testing. Allele origin: unknown.